The following is an entry in ClinVar:

NM_015259.6(ICOSLG):c.904G>A (p.Val302Ile)

Gene: ICOSLG (inducible T cell costimulator ligand; minus strand). Cytogenetic location: 21q22.3.
Variant type: single nucleotide variant.
Coding change: c.904G>A on transcript NM_015259.6 (MANE Select); coding-DNA position 904, G replaced by A.
Protein change: p.Val302Ile; replaces valine 302 with isoleucine.
Molecular consequence: missense variant. On other transcripts: 3 prime UTR variant (1), intron variant (1).
Genome position (GRCh38, 1-based): chr21:44,229,039, C>T on the plus strand (G>A on the coding strand, the complement: ICOSLG is on the minus strand). VCF-style: chr21-44229039-C-T. GRCh37 (hg19) VCF-style: chr21-45648922-C-T.
Other names: c.553G>A, p.Val185Ile (NM_001283051.2); c.649G>A, p.Val217Ile (NM_001283052.2); c.823G>A, p.Val275Ile (NM_001365759.2); c.*491G>A (NM_001395918.1); c.898+1015G>A (NM_001283050.2); short protein forms V185I, V275I, V217I, V302I.
Identifiers: ClinVar variation 3704910 (VCV003704910.2).

ClinVar aggregate classification (germline): Uncertain significance (1 of 4 stars; one submission).

Submission:

Labcorp Genetics (formerly Invitae), Labcorp
Classification: Uncertain significance. Last evaluated: 2024-12-31. Review status: criteria provided, single submitter. Criteria: Invitae Variant Classification Sherloc (09022015). Collection method: clinical testing. Allele origin: germline.
Comment: This sequence change replaces valine, which is neutral and non-polar, with isoleucine, which is neutral and non-polar, at codon 302 of the ICOSLG protein (p.Val302Ile). This variant is present in population databases (rs780312517, gnomAD 0.004%). This variant has not been reported in the literature in individuals affected with ICOSLG-related conditions. An algorithm developed to predict the effect of missense changes on protein structure and function (PolyPhen-2) suggests that this variant is likely to be tolerated. In summary, the available evidence is currently insufficient to determine the role of this variant in disease. Therefore, it has been classified as a Variant of Uncertain Significance.